The following is an entry in ClinVar:

ClinVar aggregate classification (germline): Uncertain significance. Review status: criteria provided, multiple submitters, no conflicts (2 of 4 stars). 3 submissions from 3 submitters: Uncertain significance (3). Last evaluated 2025-08-07.

Conditions:
Liddle syndrome 1 (LIDLS1). Also called: PSEUDOALDOSTERONISM. Identifiers: Orphanet 526, MedGen CN031472, MONDO:0020607, OMIM 177200.
Pseudohypoaldosteronism, type IB2, autosomal recessive (PHA1B2). Identifiers: MedGen C5774255, MONDO:0859317, OMIM 620125.
Bronchiectasis with or without elevated sweat chloride 1 (BESC1). Also called: Cystic Fibrosis-Like Syndrome. Identifiers: Orphanet 60033, MedGen C2749757, MONDO:0008887, OMIM 211400.

gnomAD v4.1: 73 of 1,613,518 alleles (0.0045%); highest among the groups gnomAD compares: South Asian, 0.019%; no homozygotes.

Submissions (3):

Mayo Clinic Laboratories, Mayo Clinic
Classification: Uncertain significance. Last evaluated: 2025-08-07. Review status: criteria provided, single submitter. Criteria: ACMG Guidelines, 2015. Collection method: clinical testing. Allele origin: germline. Observed: 1 variant allele.
Comment: PM1_supporting

GeneDx
Classification: Uncertain significance. Last evaluated: 2024-07-16. Review status: criteria provided, single submitter. Criteria: GeneDx Variant Classification Process June 2021. Collection method: clinical testing. Allele origin: germline. Affected: yes.
Comment: Identified in a patient with lung disease, pancreatic insufficiency, GI symptoms, and protein energy malnutrition in published literature (PMID: 19017867); Published functional studies suggest the variant increases channel open probability, resulting in a gain-of-function effect (PMID: 23087020); In silico analysis indicates that this missense variant does not alter protein structure/function; This variant is associated with the following publications: (PMID: 34426522, 23087020, 19017867)

Fulgent Genetics
Classification: Uncertain significance for Liddle syndrome 1; Bronchiectasis with or without elevated sweat chloride 1; Pseudohypoaldosteronism, type IB2, autosomal recessive. Last evaluated: 2024-03-30. Review status: criteria provided, single submitter. Criteria: ACMG Guidelines, 2015. Collection method: clinical testing. Allele origin: germline.

Literature cited by the submitters: PubMed 18326490 (cited by Mayo Clinic Laboratories, Mayo Clinic); PubMed 19017867 (cited by Mayo Clinic Laboratories, Mayo Clinic); PubMed 23087020 (cited by Mayo Clinic Laboratories, Mayo Clinic).

NM_000336.3(SCNN1B):c.1042G>A (p.Val348Met)

Gene: SCNN1B (sodium channel epithelial 1 subunit beta; plus strand). Cytogenetic location: 16p12.2.
Variant type: single nucleotide variant.
Coding change: c.1042G>A on transcript NM_000336.3 (MANE Select); coding-DNA position 1042, G replaced by A.
Protein change: p.Val348Met; replaces valine 348 with methionine.
Molecular consequence: missense variant.
Genome position (GRCh38, 1-based): chr16:23,371,460, G>A. VCF-style: chr16-23371460-G-A. GRCh37 (hg19) VCF-style: chr16-23382781-G-A.
Other names: p.Val348Met; c.1042G>A, p.Val348Met (NM_001410900.1); c.1042G>A (NM_000336.2); short protein forms V348M.
Identifiers: ClinVar variation 3573477 (VCV003573477.2).